The following is an entry in ClinVar:

NM_001999.4(FBN2):c.952+3G>T

Gene: FBN2 (fibrillin 2; minus strand). Cytogenetic location: 5q23.3.
Variant type: single nucleotide variant.
Coding change: c.952+3G>T on transcript NM_001999.4 (MANE Select); 3 bases into the intron after coding-DNA position 952, G replaced by T.
Molecular consequence: intron variant.
Genome position (GRCh38, 1-based): chr5:128,446,478, C>A on the plus strand (G>T on the coding strand, the complement: FBN2 is on the minus strand). VCF-style: chr5-128446478-C-A. GRCh37 (hg19) VCF-style: chr5-127782171-C-A.
Identifiers: ClinVar variation 458783 (VCV000458783.7), dbSNP rs1554069982, ClinGen allele CA658657488.

ClinVar aggregate classification (germline): Uncertain significance (1 of 4 stars; one submission).

Conditions:
Congenital contractural arachnodactyly (CCA). Also called: Beals-Hecht syndrome; BEALS SYNDROME; Arthrogryposis, distal, type 9. Identifiers: Orphanet 115, MedGen C0220668, MONDO:0007363, OMIM 121050.

Submission:

Labcorp Genetics (formerly Invitae), Labcorp
Classification: Uncertain significance for Congenital contractural arachnodactyly. Last evaluated: 2024-02-24. Review status: criteria provided, single submitter. Criteria: Invitae Variant Classification Sherloc (09022015). Collection method: clinical testing. Allele origin: germline.
Comment: This sequence change falls in intron 7 of the FBN2 gene. It does not directly change the encoded amino acid sequence of the FBN2 protein. It affects a nucleotide within the consensus splice site. This variant is not present in population databases (gnomAD no frequency). This variant has not been reported in the literature in individuals affected with FBN2-related conditions. ClinVar contains an entry for this variant (Variation ID: 458783). Variants that disrupt the consensus splice site are a relatively common cause of aberrant splicing (PMID: 17576681, 9536098). Algorithms developed to predict the effect of sequence changes on RNA splicing suggest that this variant is not likely to affect RNA splicing. In summary, the available evidence is currently insufficient to determine the role of this variant in disease. Therefore, it has been classified as a Variant of Uncertain Significance.

Literature cited by the submitters: PubMed 17576681; PubMed 9536098.